The following is an entry in ClinVar:

ClinVar aggregate classification (germline): Likely benign (0 of 4 stars; one submission).

Conditions:
KMT2D-related disorder. Also called: KMT2D-Related Disorders.

Submission:

PreventionGenetics, part of Exact Sciences
Classification: Likely benign for KMT2D-related condition. Last evaluated: 2020-08-04. Review status: no assertion criteria provided. Collection method: clinical testing. Allele origin: germline.
Comment: This variant is classified as likely benign based on ACMG/AMP sequence variant interpretation guidelines (Richards et al. 2015 PMID: 25741868, with internal and published modifications).

NM_003482.4(KMT2D):c.9916T>C (p.Leu3306=)

Gene: KMT2D (lysine methyltransferase 2D; minus strand). Cytogenetic location: 12q13.12.
Variant type: single nucleotide variant.
Coding change: c.9916T>C on transcript NM_003482.4 (MANE Select); coding-DNA position 9916, T replaced by C.
Protein change: p.Leu3306=; no amino-acid change (leucine 3306 retained).
Molecular consequence: synonymous variant.
Genome position (GRCh38, 1-based): chr12:49,037,440, A>G on the plus strand (T>C on the coding strand, the complement: KMT2D is on the minus strand). VCF-style: chr12-49037440-A-G. GRCh37 (hg19) VCF-style: chr12-49431223-A-G.
Identifiers: ClinVar variation 3036022 (VCV003036022.2), dbSNP rs1943275327, ClinGen allele CA479710193.
Genomic context (GRCh38, chr12:49,037,440, plus strand): 5'-GCAAACCTGGCTGTCGGGCACCTGCAAGACCCAGGGAAAGCTGCTGTTGGGACCCAGCCA[A>G]ACTGGGAGAAGAGCCCTCATGTGGCAAAGACATGGCCTGGGCAGGGCCTGGTGCAGACAG-3'
Protein context (NP_003473.3, residues 3296-3316): SLPHEGSSPS[Leu3306=]AGSQQQLSLG